The following is an entry in ClinVar:

NM_000388.4(CASR):c.1753T>A (p.Cys585Ser)

Gene: CASR (calcium sensing receptor; plus strand). Cytogenetic location: 3q21.1.
Variant type: single nucleotide variant.
Coding change: c.1753T>A on transcript NM_000388.4 (MANE Select); coding-DNA position 1753, T replaced by A.
Protein change: p.Cys585Ser; replaces cysteine 585 with serine.
Molecular consequence: missense variant.
Genome position (GRCh38, 1-based): chr3:122,283,707, T>A. VCF-style: chr3-122283707-T-A. GRCh37 (hg19) VCF-style: chr3-122002554-T-A.
Other names: c.1783T>A, p.Cys595Ser (NM_001178065.2); short protein forms C585S, C595S.
Identifiers: ClinVar variation 2118182 (VCV002118182.4), dbSNP rs2473276072, ClinGen allele CA354157162.

ClinVar aggregate classification (germline): Uncertain significance (1 of 4 stars; one submission).

Conditions:
Familial hypocalciuric hypercalcemia (FHH). Also called: Familial benign hypercalcemia. Identifiers: Orphanet 405, MedGen C1809471, MONDO:0018458.
Autosomal dominant hypocalcemia 1 (HYPOC1). Also called: HYPOCALCEMIA, FAMILIAL. Identifiers: MedGen C3715128, MONDO:0011013, OMIM 601198.

Submission:

Labcorp Genetics (formerly Invitae), Labcorp
Classification: Uncertain significance for Familial hypocalciuric hypercalcemia; Autosomal dominant hypocalcemia 1. Last evaluated: 2022-03-27. Review status: criteria provided, single submitter. Criteria: Invitae Variant Classification Sherloc (09022015). Collection method: clinical testing. Allele origin: germline.
Comment: In summary, the available evidence is currently insufficient to determine the role of this variant in disease. Therefore, it has been classified as a Variant of Uncertain Significance. Algorithms developed to predict the effect of missense changes on protein structure and function (SIFT, PolyPhen-2, Align-GVGD) all suggest that this variant is likely to be disruptive. This variant has not been reported in the literature in individuals affected with CASR-related conditions. This variant is not present in population databases (gnomAD no frequency). This sequence change replaces cysteine, which is neutral and slightly polar, with serine, which is neutral and polar, at codon 585 of the CASR protein (p.Cys585Ser).